The following is an entry in ClinVar:

ClinVar aggregate classification (germline): Likely benign (1 of 4 stars; one submission).

Allele frequency attached by ClinVar (database versions not stated): ESP Exome Variant Server 0.00031; TOPMed 0.00040; gnomAD 0.00049; 1000 Genomes Project 30x 0.00078; 1000 Genomes Project 0.00080.
gnomAD v4.1: 707 of 1,589,084 alleles (0.044%); highest among the groups gnomAD compares: South Asian, 0.068%; 3 homozygotes.

Submission:

CeGaT Center for Human Genetics Tuebingen
Classification: Likely benign. Last evaluated: 2025-03-01. Review status: criteria provided, single submitter. Criteria: CeGaT Center For Human Genetics Tuebingen Variant Classification Criteria Version 2. Collection method: clinical testing. Allele origin: germline. Affected: yes. Observed: 2 variant alleles.
Comment: RREB1: BS2

NM_001003699.4(RREB1):c.2227G>A (p.Glu743Lys)

Gene: RREB1 (ras responsive element binding protein 1; plus strand). Cytogenetic location: 6p24.3.
Variant type: single nucleotide variant.
Coding change: c.2227G>A on transcript NM_001003699.4 (MANE Select); coding-DNA position 2227, G replaced by A.
Protein change: p.Glu743Lys; replaces glutamic acid 743 with lysine.
Molecular consequence: missense variant.
Genome position (GRCh38, 1-based): chr6:7,230,326, G>A. VCF-style: chr6-7230326-G-A. GRCh37 (hg19) VCF-style: chr6-7230559-G-A.
Other names: c.2227G>A, p.Glu743Lys (NM_001003698.4, NM_001003700.2, NM_001168344.2); short protein forms E743K.
Identifiers: ClinVar variation 3239006 (VCV003239006.19), dbSNP rs147574604.